The following is an entry in ClinVar:

ClinVar aggregate classification (germline): Uncertain significance. Review status: criteria provided, multiple submitters, no conflicts (2 of 4 stars). 2 submissions from 2 submitters: Uncertain significance (2). Last evaluated 2025-08-12.

Conditions:
Renal cell carcinoma. Identifiers: Orphanet 217071, MedGen C0007134, MeSH D002292, MONDO:0005086, HP:0005584.
Hereditary cancer-predisposing syndrome. Also called: Hereditary Cancer Syndrome; Hereditary neoplastic syndrome; Tumor predisposition; Neoplastic Syndromes, Hereditary. Identifiers: Orphanet 140162, MedGen C0027672, MeSH D009386, MONDO:0015356.

Allele frequency attached by ClinVar (database versions not stated): gnomAD exomes below 0.00001.
gnomAD v4.1: 1 of 1,614,086 alleles (0.000062%); highest among the groups gnomAD compares: Admixed American, 0.0017%; no homozygotes.

Submissions (2):

Ambry Genetics
Classification: Uncertain significance for Hereditary cancer-predisposing syndrome. Last evaluated: 2025-08-12. Review status: criteria provided, single submitter. Criteria: Ambry Variant Classification Scheme 2023. Collection method: clinical testing. Allele origin: germline.
Comment: The p.Q272H variant (also known as c.816G>C), located in coding exon 1 of the MET gene, results from a G to C substitution at nucleotide position 816. The glutamine at codon 272 is replaced by histidine, an amino acid with highly similar properties. This amino acid position is highly conserved in available vertebrate species. In addition, this alteration is predicted to be tolerated by in silico analysis. Since supporting evidence is limited at this time, the clinical significance of this alteration remains unclear.

Labcorp Genetics (formerly Invitae), Labcorp
Classification: Uncertain significance for Renal cell carcinoma. Last evaluated: 2025-08-11. Review status: criteria provided, single submitter. Criteria: Invitae Variant Classification Sherloc (09022015). Collection method: clinical testing. Allele origin: germline.
Comment: This sequence change replaces glutamine, which is neutral and polar, with histidine, which is basic and polar, at codon 272 of the MET protein (p.Gln272His). This variant is present in population databases (no rsID available, gnomAD 0.003%). This variant has not been reported in the literature in individuals affected with MET-related conditions. ClinVar contains an entry for this variant (Variation ID: 1401743). Invitae Evidence Modeling of protein sequence and biophysical properties (such as structural, functional, and spatial information, amino acid conservation, physicochemical variation, residue mobility, and thermodynamic stability) indicates that this missense variant is expected to disrupt MET protein function with a positive predictive value of 80%. In summary, the available evidence is currently insufficient to determine the role of this variant in disease. Therefore, it has been classified as a Variant of Uncertain Significance.

NM_000245.4(MET):c.816G>C (p.Gln272His)

Gene: MET (MET proto-oncogene, receptor tyrosine kinase; plus strand). Cytogenetic location: 7q31.2.
Variant type: single nucleotide variant.
Coding change: c.816G>C on transcript NM_000245.4 (MANE Select); coding-DNA position 816, G replaced by C.
Protein change: p.Gln272His; replaces glutamine 272 with histidine.
Molecular consequence: missense variant. On other transcripts: intron variant (1).
Genome position (GRCh38, 1-based): chr7:116,699,900, G>C. VCF-style: chr7-116699900-G-C. GRCh37 (hg19) VCF-style: chr7-116339954-G-C.
Other names: c.816G>C, p.Gln272His (NM_001127500.3, NM_001324401.3); c.-91+27323G>C (NM_001324402.2); short protein forms Q272H.
Identifiers: ClinVar variation 1401743 (VCV001401743.11), dbSNP rs1168091854, ClinGen allele CA368969914.